The following is an entry in ClinVar:

ClinVar aggregate classification (germline): Conflicting classifications of pathogenicity. Review status: criteria provided, conflicting classifications (1 of 4 stars). 17 submissions from 17 submitters: Uncertain significance (9); Benign (1); Likely benign (5). 2 of the submissions do not count toward it. Last evaluated 2026-02-03.

Conditions:
Ovarian cancer. Also called: OVARIAN CANCER, SOMATIC. Identifiers: Orphanet 213500, MedGen C1140680, MONDO:0008170, OMIM 167000.
Fanconi anemia complementation group J. Also called: BRIP1-Related Fanconi Anemia. Identifiers: Orphanet 84, MedGen C1836860, MONDO:0012187, OMIM 609054.
BRIP1-related disorder. Also called: BRIP1-related condition; BRIP1-related disorders. Identifiers: MedGen CN239206.
Hereditary cancer-predisposing syndrome. Also called: Tumor predisposition; Neoplastic Syndromes, Hereditary; Hereditary neoplastic syndrome; Hereditary Cancer Syndrome. Identifiers: Orphanet 140162, MedGen C0027672, MeSH D009386, MONDO:0015356.
Familial cancer of breast. Also called: BREAST CANCER, FAMILIAL; Hereditary breast cancer; hereditary breast carcinoma. Identifiers: Orphanet 227535, MedGen C0346153, MONDO:0016419, OMIM 114480. Disease mechanism: loss of function.
Hereditary breast ovarian cancer syndrome. Also called: Hereditary breast and ovarian cancer syndrome; Hereditary breast and ovarian cancer; Hereditary breast and ovarian cancer syndrome (HBOC); Hereditary breast and/or ovarian cancer syndrome; BRCA1- and BRCA2-Associated Hereditary Breast and Ovarian Cancer; Breast and ovarian cancer. Identifiers: Orphanet 145, MedGen C0677776, MeSH D061325, MONDO:0003582. Disease mechanism: loss of function.

Allele frequency attached by ClinVar (database versions not stated): gnomAD 0.00001 and 0.00002; gnomAD exomes 0.00009 and 0.00012; TOPMed 0.00009; ExAC 0.00019.
gnomAD v4.1: 127 of 1,607,944 alleles (0.0079%); highest among the groups gnomAD compares: East Asian, 0.28%; 1 homozygote.

Submissions (17):

Labcorp Genetics (formerly Invitae), Labcorp
Classification: Likely benign for Familial cancer of breast; Fanconi anemia complementation group J. Last evaluated: 2026-02-03. Review status: criteria provided, single submitter. Criteria: Invitae Variant Classification Sherloc (09022015). Collection method: clinical testing. Allele origin: germline.

PreventionGenetics, part of Exact Sciences
Classification: Likely benign for BRIP1-related condition. Last evaluated: 2025-11-02. Review status: criteria provided, single submitter. Criteria: ACMG Guidelines, 2015. Collection method: clinical testing. Allele origin: germline.
Comment: This variant is classified as likely benign based on ACMG/AMP sequence variant interpretation guidelines (Richards et al. 2015 PMID: 25741868, with internal and published modifications).

Mayo Clinic Laboratories, Mayo Clinic
Classification: Uncertain significance. Last evaluated: 2025-09-18. Review status: criteria provided, single submitter. Criteria: ACMG Guidelines, 2015. Collection method: clinical testing. Allele origin: germline. Observed: 1 variant allele.
Comment: BS1, PP3

GeneDx
Classification: Uncertain significance. Last evaluated: 2025-08-24. Review status: criteria provided, single submitter. Criteria: GeneDx Variant Classification Process June 2021. Collection method: clinical testing. Allele origin: germline. Affected: yes.
Comment: Observed in individuals with breast cancer, prostate cancer, or other cancers, as well as in unaffected controls (PMID: 26689913, 27498913, 27701467, 26790966, 29263802, 29667044, 30723762, 33309985, 32068069, 33471991, 36243179); In silico analysis supports that this missense variant has a deleterious effect on protein structure/function; This variant is associated with the following publications: (PMID: 22578220, 33309985, 31214711, 32566746, 32068069, 24686850, 26790966, 24163242, 25256751, 26689913, 26709662, 27498913, 27701467, 30055942, 29263802, 30723762, 33471991, 29667044, 35534218, 36243179)

Center for Genomic Medicine, Rigshospitalet, Copenhagen University Hospital
Classification: Uncertain significance. Last evaluated: 2025-03-04. Review status: criteria provided, single submitter. Criteria: ACMG Guidelines, 2015. Collection method: clinical testing. Allele origin: germline.

Department of Pathology and Laboratory Medicine, Sinai Health System
Classification: Uncertain significance for Familial cancer of breast; Fanconi anemia complementation group J. Last evaluated: 2025-01-28. Review status: criteria provided, single submitter. Criteria: ACMG Guidelines, 2015. Collection method: clinical testing. Allele origin: germline. Affected: no.

Fulgent Genetics
Classification: Uncertain significance for Familial cancer of breast; Fanconi anemia complementation group J. Last evaluated: 2024-05-07. Review status: criteria provided, single submitter. Criteria: ACMG Guidelines, 2015. Collection method: clinical testing. Allele origin: germline.

Baylor Genetics
Classification: Likely benign for Familial cancer of breast. Last evaluated: 2024-01-23. Review status: criteria provided, single submitter. Criteria: ACMG Guidelines, 2015. Collection method: clinical testing. Allele origin: unknown.

Myriad Genetics, Inc.
Classification: Uncertain significance for Familial cancer of breast. Last evaluated: 2023-03-01. Review status: criteria provided, single submitter. Criteria: Myriad Autosomal Dominant, Autosomal Recessive and X-Linked Classification Criteria (2023). Collection method: clinical testing. Allele origin: unknown.
Comment: This variant is classified as a variant of uncertain significance as there is insufficient evidence to determine its impact on protein function and/or cancer risk.

Sema4
Classification: Uncertain significance for Hereditary cancer-predisposing syndrome. Last evaluated: 2022-01-09. Review status: criteria provided, single submitter. Criteria: Sema4 Curation Guidelines. Collection method: curation. Allele origin: germline.
Comment: The BRIP1 c.1442G>A (p.G481D) variant has been reported in heterozygosity in at least 10 individuals with breast cancer, prostate cancer, pancreas cancer, and/or ovarian cancer (PMID: 29263802, 27701467, 29667044, 32068069, among others). It has been reported in 35/60466 individuals with breast cancer and in 20/53461 control individuals (PMID: 33471991); in 127/12376 individuals with colorectal cancer and in 226/23479 control individuals, and it was classified as benign (PMID: 33309985). This variant was observed in 29/19666 chromosomes in the East Asian population, according to the Genome Aggregation Database (PMID: 32461654). This variant has been reported in ClinVar (Variation ID: 141975). In silico tools suggest the impact of the variant on protein function is deleterious, though these predictions have not been confirmed by functional studies. The evidence is insufficient to meet ACMG/AMP criteria for classifying the variant as benign or pathogenic. Thus, the clinical significance of this variant is currently uncertain.

Ambry Genetics
Classification: Likely benign for Hereditary cancer-predisposing syndrome. Last evaluated: 2021-12-29. Review status: criteria provided, single submitter. Criteria: Ambry Variant Classification Scheme 2023. Collection method: clinical testing. Allele origin: germline.

Women's Health and Genetics/Laboratory Corporation of America, LabCorp
Classification: Benign. Last evaluated: 2021-03-19. Review status: criteria provided, single submitter. Criteria: LabCorp Variant Classification Summary - May 2015. Collection method: clinical testing. Allele origin: germline.
Comment: Variant summary: BRIP1 c.1442G>A (p.Gly481Asp) results in a non-conservative amino acid change in the encoded protein sequence. Four of five in-silico tools predict a damaging effect of the variant on protein function. The variant allele was found at a frequency of 0.00012 in 243572 control chromosomes, predominantly at a frequency of 0.0015 within the East Asian subpopulation in the gnomAD database. The observed variant frequency within East Asian control individuals in the gnomAD database is approximately 24 fold of the estimated maximal expected allele frequency for a pathogenic variant in BRIP1 causing Hereditary Breast And Ovarian Cancer Syndrome phenotype (6.3e-05), strongly suggesting that the variant is a benign polymorphism found primarily in populations of East Asian origin. c.1442G>A has been reported in the literature in the TGCA cohort (Lu_2015), in studies reporting cohorts of individuals of east asian ancestry undergoing multigene panel testing and in unaffected control cohorts (example, Wong_2016, Kim_2016, Hayano_2016, Ohmoto_2018, Fujita_2020). One of these studies has recently rendered a final classification for this variant a benign among individuals undergoing population-based screening for hereditary colorectal cancer variants in Japan (Fujita_2020). Therefore, none of the ascertained reports provide unequivocal conclusions about association of the variant with Hereditary Breast And Ovarian Cancer Syndrome. To our knowledge, no experimental evidence demonstrating an impact on protein function has been reported. Multiple clinical diagnostic laboratories and the LOVD have submitted clinical-significance assessments for this variant to ClinVar after 2014 without evidence for independent evaluation. Multiple submitters reported the variant with conflicting assessments (LOVD database-benign, n=1; likely benign, n=1, VUS, n=6). Most submitters reporting a VUS classification cite overlapping evidence utilized in the context of this evaluation. Based on the evidence outlined above, the variant was classified as benign.

Color Diagnostics, LLC DBA Color Health
Classification: Likely benign for Hereditary cancer-predisposing syndrome. Last evaluated: 2020-05-11. Review status: criteria provided, single submitter. Criteria: ACMG Guidelines, 2015. Collection method: clinical testing. Allele origin: germline.

Cancer Genomics Group, Japanese Foundation For Cancer Research
Classification: Uncertain significance for Hereditary breast and ovarian cancer syndrome. Last evaluated: 2019-05-01. Review status: criteria provided, single submitter. Criteria: ACMG Guidelines, 2015. Collection method: research. Allele origin: germline. Affected: yes.

Illumina Laboratory Services, Illumina
Classification: Uncertain significance for Fanconi anemia complementation group J. Last evaluated: 2017-06-12. Review status: criteria provided, single submitter. Criteria: ICSL Variant Classification Criteria 13 December 2019. Collection method: clinical testing. Allele origin: germline.

Leiden Open Variation Database
Classification: Benign. Last evaluated: 2019-08-13. Review status: no assertion criteria provided. Collection method: curation. Allele origin: germline. Affected: yes. Not counted in ClinVar's aggregate classification.
Comment: Curator: Arleen D. Auerbach. Submitter to LOVD: Yukihide Momozawa.

Counsyl
Classification: Uncertain significance for Fanconi anemia complementation group J; Ovarian cancer. Last evaluated: 2018-04-02. Review status: no assertion criteria provided. Collection method: clinical testing. Allele origin: unknown. Not counted in ClinVar's aggregate classification.

Literature cited by the submitters: PubMed 26790966 (cited by 4 submitters); PubMed 27701467 (cited by 5 submitters); PubMed 29263802 (cited by 4 submitters); PubMed 35534218 (cited by Mayo Clinic Laboratories, Mayo Clinic); PubMed 36243179 (cited by Mayo Clinic Laboratories, Mayo Clinic); PubMed 36627197 (cited by Mayo Clinic Laboratories, Mayo Clinic); PubMed 29667044 (cited by 3 submitters); PubMed 32068069 (cited by Sema4); PubMed 33471991 (cited by Sema4); PubMed 33309985 (cited by 3 submitters); PubMed 26689913 (cited by 3 submitters); PubMed 31214711 (cited by Ambry Genetics and Leiden Open Variation Database); PubMed 32091409 (cited by Ambry Genetics).

NM_032043.3(BRIP1):c.1442G>A (p.Gly481Asp)

Gene: BRIP1 (BRCA1 interacting DNA helicase 1; minus strand). Cytogenetic location: 17q23.2.
Variant type: single nucleotide variant.
Coding change: c.1442G>A on transcript NM_032043.3 (MANE Select); coding-DNA position 1442, G replaced by A.
Protein change: p.Gly481Asp; replaces glycine 481 with aspartic acid.
Molecular consequence: missense variant.
Genome position (GRCh38, 1-based): chr17:61,793,628, C>T on the plus strand (G>A on the coding strand, the complement: BRIP1 is on the minus strand). VCF-style: chr17-61793628-C-T. GRCh37 (hg19) VCF-style: chr17-59870989-C-T.
Other names: p.G481D:GGT>GAT; p.Gly481Asp; short protein forms G481D.
Identifiers: ClinVar variation 141975 (VCV000141975.42), dbSNP rs200062099, ClinGen allele CA294222.